The following is an entry in ClinVar:

NM_006231.4(POLE):c.1047A>C (p.Glu349Asp)

Gene: POLE (DNA polymerase epsilon, catalytic subunit; minus strand). Cytogenetic location: 12q24.33.
Variant type: single nucleotide variant.
Coding change: c.1047A>C on transcript NM_006231.4 (MANE Select); coding-DNA position 1047, A replaced by C.
Protein change: p.Glu349Asp; replaces glutamic acid 349 with aspartic acid.
Molecular consequence: missense variant.
Genome position (GRCh38, 1-based): chr12:132,675,794, T>G on the plus strand (A>C on the coding strand, the complement: POLE is on the minus strand). VCF-style: chr12-132675794-T-G. GRCh37 (hg19) VCF-style: chr12-133252380-T-G.
Other names: short protein forms E349D.
Identifiers: ClinVar variation 1477200 (VCV001477200.8), dbSNP rs200661323, ClinGen allele CA387361697.
Genomic context (GRCh38, chr12:132,675,794, plus strand): 5'-CCAGTCAAAAAAGTCCCCGTTGTAGGTGACCATGATGGTGGGTTTGGTCTCCTGGACGTG[T>G]TCAAACCACCTTTGGATCAGATGAGCCTGAACCCAAGTCACAGCAGTCAGAGGTCTGCTC-3'
Protein context (NP_006222.2, residues 339-359): DEAHLIQRWF[Glu349Asp]HVQETKPTIM

ClinVar aggregate classification (germline): Uncertain significance (1 of 4 stars; one submission).

Submission:

Labcorp Genetics (formerly Invitae), Labcorp
Classification: Uncertain significance. Last evaluated: 2021-07-15. Review status: criteria provided, single submitter. Criteria: Invitae Variant Classification Sherloc (09022015). Collection method: clinical testing. Allele origin: germline.
Comment: In summary, the available evidence is currently insufficient to determine the role of this variant in disease. Therefore, it has been classified as a Variant of Uncertain Significance. Algorithms developed to predict the effect of missense changes on protein structure and function (SIFT, PolyPhen-2, Align-GVGD) all suggest that this variant is likely to be tolerated. This variant is not present in population databases (ExAC no frequency). This variant has not been reported in the literature in individuals affected with POLE-related conditions. This sequence change replaces glutamic acid with aspartic acid at codon 349 of the POLE protein (p.Glu349Asp). The glutamic acid residue is moderately conserved and there is a small physicochemical difference between glutamic acid and aspartic acid.